The following is an entry in ClinVar:

ClinVar aggregate classification (germline): Benign/Likely benign. Review status: criteria provided, multiple submitters, no conflicts (2 of 4 stars). 6 submissions from 6 submitters: Benign (2); Likely benign (3). 1 of the submissions does not count toward it. Last evaluated 2026-02-04.

Conditions:
Maple syrup urine disease (MSUD). Identifiers: Orphanet 511, MedGen C0024776, MeSH D008375, MONDO:0009563. Disease mechanism: loss of function.
Maple syrup urine disease type 1B (MSUD1B). Also called: MSUD type IB; MSUD type 3 (formerly); MSUD due to deficiency of e1-beta subunit of branched-chain alpha-keto acid dehydrogenase complex. Identifiers: MedGen C2930990, MONDO:0023692, OMIM 620698.

Allele frequency attached by ClinVar (database versions not stated): ESP Exome Variant Server 0.00015; gnomAD 0.00019 and 0.00047; TOPMed 0.00031; gnomAD exomes 0.00057 and 0.00131; ExAC 0.00147; 1000 Genomes Project 30x 0.00234; 1000 Genomes Project 0.00240.
gnomAD v4.1: 960 of 1,613,572 alleles (0.059%); highest among the groups gnomAD compares: South Asian, 0.75%; 10 homozygotes.

Submissions (6):

Labcorp Genetics (formerly Invitae), Labcorp
Classification: Benign for Maple syrup urine disease. Last evaluated: 2026-02-04. Review status: criteria provided, single submitter. Criteria: Invitae Variant Classification Sherloc (09022015). Collection method: clinical testing. Allele origin: germline.

CeGaT Center for Human Genetics Tuebingen
Classification: Likely benign. Last evaluated: 2023-05-01. Review status: criteria provided, single submitter. Criteria: CeGaT Center For Human Genetics Tuebingen Variant Classification Criteria Version 2. Collection method: clinical testing. Allele origin: germline. Affected: yes. Observed: 1 variant allele.
Comment: BCKDHB: BP4, BP7, BS2

Genome-Nilou Lab
Classification: Benign for Maple syrup urine disease type 1A. Last evaluated: 2021-05-18. Review status: criteria provided, single submitter. Criteria: ACMG Guidelines, 2015. Collection method: clinical testing. Allele origin: germline. Affected: no.

GeneDx
Classification: Likely benign. Last evaluated: 2018-03-09. Review status: criteria provided, single submitter. Criteria: GeneDx Variant Classification (06012015). Collection method: clinical testing. Allele origin: germline. Affected: yes.
Comment: This variant is considered likely benign or benign based on one or more of the following criteria: it is a conservative change, it occurs at a poorly conserved position in the protein, it is predicted to be benign by multiple in silico algorithms, and/or has population frequency not consistent with disease.

Illumina Laboratory Services, Illumina
Classification: Likely benign for Maple syrup urine disease type 1A. Last evaluated: 2018-01-13. Review status: criteria provided, single submitter. Criteria: ICSL Variant Classification Criteria 13 December 2019. Collection method: clinical testing. Allele origin: germline.
Comment: This variant was observed in the ICSL laboratory as part of a predisposition screen in an ostensibly healthy population. It had not been previously curated by ICSL or reported in the Human Gene Mutation Database (HGMD: prior to June 1st, 2018), and was therefore a candidate for classification through an automated scoring system. Utilizing variant allele frequency, disease prevalence and penetrance estimates, and inheritance mode, an automated score was calculated to assess if this variant is too frequent to cause the disease. Based on the score and internal cut-off values, a variant classified as likely benign is not then subjected to further curation. The score for this variant resulted in a classification of likely benign for this disease.

Natera, Inc.
Classification: Benign for Maple syrup urine disease type 1B. Last evaluated: 2019-10-22. Review status: no assertion criteria provided. Collection method: clinical testing. Allele origin: germline. Not counted in ClinVar's aggregate classification.

NM_183050.4(BCKDHB):c.987C>T (p.His329=)

Gene: BCKDHB (branched chain keto acid dehydrogenase E1 subunit beta; plus strand). Cytogenetic location: 6q14.1.
Variant type: single nucleotide variant.
Coding change: c.987C>T on transcript NM_183050.4 (MANE Select); coding-DNA position 987, C replaced by T.
Protein change: p.His329=; no amino-acid change (histidine 329 retained).
Molecular consequence: synonymous variant. On other transcripts: non-coding transcript variant (1).
Genome position (GRCh38, 1-based): chr6:80,273,170, C>T. VCF-style: chr6-80273170-C-T. GRCh37 (hg19) VCF-style: chr6-80982887-C-T.
Other names: c.987C>T, p.His329= (NM_000056.5); c.777C>T, p.His259= (NM_001318975.1).
Identifiers: ClinVar variation 358171 (VCV000358171.42), dbSNP rs138670449, ClinGen allele CA3902819.